The following is an entry in ClinVar:

ClinVar aggregate classification (germline): Pathogenic (0 of 4 stars; one submission).

Conditions:
Fanconi anemia complementation group A (FANCA). Also called: Fanconi anemia, group A; FANCA-Related Fanconi Anemia. Identifiers: Orphanet 84, MedGen C3469521, MONDO:0009215, OMIM 227650.

Submission:

Leiden Open Variation Database
Classification: Pathogenic for Fanconi anemia complementation group A. Last evaluated: 2020-02-28. Review status: no assertion criteria provided. Collection method: curation. Allele origin: germline. Affected: yes.
Comment: Curator: Arleen D. Auerbach. Submitter to LOVD: Arleen D. Auerbach.

NM_000135.4(FANCA):c.3067-1G>A

Gene: FANCA (FA complementation group A; minus strand). Cytogenetic location: 16q24.3.
Variant type: single nucleotide variant.
Coding change: c.3067-1G>A on transcript NM_000135.4 (MANE Select); the canonical splice acceptor site of the intron before coding-DNA position 3067, G replaced by A.
Molecular consequence: splice acceptor variant.
Genome position (GRCh38, 1-based): chr16:89,749,903, C>T on the plus strand (G>A on the coding strand, the complement: FANCA is on the minus strand). VCF-style: chr16-89749903-C-T. GRCh37 (hg19) VCF-style: chr16-89816311-C-T.
Other names: c.3067-1G>A (NM_001286167.3).
Identifiers: ClinVar variation 974252 (VCV000974252.1), dbSNP rs2038522097, ClinGen allele CA397486771.